The following is an entry in ClinVar:

NM_004628.5(XPC):c.2050_2051del (p.Leu684fs)

Gene: XPC (XPC complex subunit, DNA damage recognition and repair factor; minus strand). Cytogenetic location: 3p25.1.
Variant type: Microsatellite.
Coding change: c.2050_2051del on transcript NM_004628.5 (MANE Select); coding-DNA positions 2050 to 2051, 2 bases deleted (CT; older notation c.2050_2051delCT).
Protein change: p.Leu684fs; shifts the reading frame from leucine 684.
Molecular consequence: frameshift variant. On other transcripts: non-coding transcript variant (2).
Genome position (GRCh38, 1-based): chr3:14,152,399-14,152,400, AG deleted on the plus strand (CT on the coding strand, the reverse complement: XPC is on the minus strand); deleting any 2 consecutive bases within chr3:14,152,399-14,152,402 gives the same sequence; the c. name uses the placement nearest the transcript's 3' end. VCF-style (leftmost placement, unchanged base first): chr3-14152398-CAG-C. GRCh37 (hg19) VCF-style: chr3-14193898-CAG-C.
Other names: c.1471_1472del, p.Leu491fs (NM_001354726.2); c.2044_2045del, p.Leu682fs (NM_001354727.2); c.2032_2033del, p.Leu678fs (NM_001354729.2); c.1804_1805del, p.Leu602fs (NM_001354730.2); short protein forms L491fs, L602fs, L678fs, L682fs, L684fs.
Identifiers: ClinVar variation 1072652 (VCV001072652.8), dbSNP rs765641981, ClinGen allele CA2267279.

ClinVar aggregate classification (germline): Pathogenic/Likely pathogenic. Review status: criteria provided, multiple submitters, no conflicts (2 of 4 stars). 2 submissions from 2 submitters: Pathogenic (1); Likely pathogenic (1). Last evaluated 2022-09-03.

Conditions:
Xeroderma pigmentosum, group C (XPC). Also called: Xeroderma pigmentosum, complementation group C; XERODERMA PIGMENTOSUM III; XP, GROUP C; XPC-Related Xeroderma Pigmentosum. Identifiers: Orphanet 910, MedGen C2752147, MONDO:0010211, OMIM 278720.

Submissions (2):

Baylor Genetics
Classification: Likely pathogenic for Xeroderma pigmentosum, group C. Last evaluated: 2022-09-03. Review status: criteria provided, single submitter. Criteria: ACMG Guidelines, 2015. Collection method: clinical testing. Allele origin: unknown.

Labcorp Genetics (formerly Invitae), Labcorp
Classification: Pathogenic. Last evaluated: 2020-04-21. Review status: criteria provided, single submitter. Criteria: Invitae Variant Classification Sherloc (09022015). Collection method: clinical testing. Allele origin: germline.
Comment: For these reasons, this variant has been classified as Pathogenic. Loss-of-function variants in XPC are known to be pathogenic (PMID: 23173980, 25256075). This variant has not been reported in the literature in individuals with XPC-related conditions. This variant is present in population databases (rs765641981, ExAC 0.01%). This sequence change creates a premature translational stop signal (p.Leu684Alafs*28) in the XPC gene. It is expected to result in an absent or disrupted protein product.

Literature cited by the submitters: PubMed 23173980 (cited by Labcorp Genetics (formerly Invitae), Labcorp); PubMed 25256075 (cited by Labcorp Genetics (formerly Invitae), Labcorp).